The following is an entry in ClinVar:

ClinVar aggregate classification (germline): Likely pathogenic (1 of 4 stars; one submission).

Conditions:
Cataract 14 multiple types. Also called: CATARACT 14, ZONULAR PULVERULENT; CATARACT 14, NUCLEAR PULVERULENT; CATARACT 14, NUCLEAR PULVERULENT AND POSTERIOR POLAR; CATARACT 14, NUCLEAR CORALLIFORM; CATARACT 14, EMBRYONAL NUCLEAR; CATARACT 14, COPPOCK-LIKE. Identifiers: Orphanet 91492, MedGen C1866078, MONDO:0011162, OMIM 601885.

Submission:

Dept. Genetics and Cancer, Menzies Institute for Medical Research, University of Tasmania
Classification: Likely pathogenic for Cataract 14 multiple types. Last evaluated: 2023-01-21. Review status: criteria provided, single submitter. Criteria: ACMG Guidelines, 2015. Collection method: curation. Allele origin: germline. Affected: yes.
Comment: Variant identified and curated during a GJA3 specific review of the literature in relation to pediatric or congenital cataract. ACMG-AMP criteria applied: PM1, PP1(Moderate), PM2(Supporting), PP3. Original variant report: PMID:16234473. The cataract phenotype reported for this variant is: Nuclear. Gene review and curation guidelines are outlined in: DOI 10.1080/17469899.2023.2160320

Literature cited by the submitters: PubMed 16234473.

NM_021954.4(GJA3):c.134G>C (p.Trp45Ser)

Gene: GJA3 (gap junction protein alpha 3; minus strand). Cytogenetic location: 13q12.11.
Variant type: single nucleotide variant.
Coding change: c.134G>C on transcript NM_021954.4 (MANE Select); coding-DNA position 134, G replaced by C.
Protein change: p.Trp45Ser; replaces tryptophan 45 with serine.
Molecular consequence: missense variant.
Genome position (GRCh38, 1-based): chr13:20,143,155, C>G on the plus strand (G>C on the coding strand, the complement: GJA3 is on the minus strand). VCF-style: chr13-20143155-C-G. GRCh37 (hg19) VCF-style: chr13-20717294-C-G.
Other names: short protein forms W45S.
Identifiers: ClinVar variation 3253680 (VCV003253680.1), dbSNP rs2500174168.